The following is an entry in ClinVar:

NM_006904.7(PRKDC):c.6619A>C (p.Lys2207Gln)

Gene: PRKDC (protein kinase, DNA-activated, catalytic subunit; minus strand). Cytogenetic location: 8q11.21.
Variant type: single nucleotide variant.
Coding change: c.6619A>C on transcript NM_006904.7 (MANE Select); coding-DNA position 6619, A replaced by C.
Protein change: p.Lys2207Gln; replaces lysine 2207 with glutamine.
Molecular consequence: missense variant.
Genome position (GRCh38, 1-based): chr8:47,855,364, T>G on the plus strand (A>C on the coding strand, the complement: PRKDC is on the minus strand). VCF-style: chr8-47855364-T-G. GRCh37 (hg19) VCF-style: chr8-48767925-T-G.
Other names: c.6619A>C, p.Lys2207Gln (NM_001081640.2); short protein forms K2207Q.
Identifiers: ClinVar variation 3225891 (VCV003225891.1), dbSNP rs2551869502, ClinGen allele CA371159729.

ClinVar aggregate classification (germline): Uncertain significance (1 of 4 stars; one submission).

Submission:

Ambry Genetics
Classification: Uncertain significance. Last evaluated: 2024-03-02. Review status: criteria provided, single submitter. Criteria: Ambry Variant Classification Scheme 2023. Collection method: clinical testing. Allele origin: germline.
Comment: The p.K2207Q variant (also known as c.6619A>C), located in coding exon 50 of the PRKDC gene, results from an A to C substitution at nucleotide position 6619. The lysine at codon 2207 is replaced by glutamine, an amino acid with similar properties. This amino acid position is conserved. In addition, the in silico prediction for this alteration is inconclusive. Based on the available evidence, the clinical significance of this alteration remains unclear.